The following is an entry in ClinVar:

NM_014319.5(LEMD3):c.2461G>A (p.Val821Ile)

Gene: LEMD3 (LEM domain containing 3; plus strand). Cytogenetic location: 12q14.3.
Variant type: single nucleotide variant.
Coding change: c.2461G>A on transcript NM_014319.5 (MANE Select); coding-DNA position 2461, G replaced by A.
Protein change: p.Val821Ile; replaces valine 821 with isoleucine.
Molecular consequence: missense variant.
Genome position (GRCh38, 1-based): chr12:65,245,742, G>A. VCF-style: chr12-65245742-G-A. GRCh37 (hg19) VCF-style: chr12-65639522-G-A.
Other names: c.2458G>A, p.Val820Ile (NM_001167614.2); short protein forms V820I, V821I.
Identifiers: ClinVar variation 3711481 (VCV003711481.2).

ClinVar aggregate classification (germline): Uncertain significance (1 of 4 stars; one submission).

Submission:

Labcorp Genetics (formerly Invitae), Labcorp
Classification: Uncertain significance. Last evaluated: 2024-10-13. Review status: criteria provided, single submitter. Criteria: Invitae Variant Classification Sherloc (09022015). Collection method: clinical testing. Allele origin: germline.
Comment: This sequence change replaces valine, which is neutral and non-polar, with isoleucine, which is neutral and non-polar, at codon 821 of the LEMD3 protein (p.Val821Ile). This variant is not present in population databases (gnomAD no frequency). This variant has not been reported in the literature in individuals affected with LEMD3-related conditions. Invitae Evidence Modeling of protein sequence and biophysical properties (such as structural, functional, and spatial information, amino acid conservation, physicochemical variation, residue mobility, and thermodynamic stability) indicates that this missense variant is expected to disrupt LEMD3 protein function with a positive predictive value of 80%. In summary, the available evidence is currently insufficient to determine the role of this variant in disease. Therefore, it has been classified as a Variant of Uncertain Significance.